The following is an entry in ClinVar:

NM_000245.4(MET):c.-3A>T

Gene: MET (MET proto-oncogene, receptor tyrosine kinase; plus strand). Cytogenetic location: 7q31.2.
Variant type: single nucleotide variant.
Coding change: c.-3A>T on transcript NM_000245.4 (MANE Select); 3 bases upstream of the start codon, A replaced by T.
Molecular consequence: 5 prime UTR variant. On other transcripts: intron variant (1).
Genome position (GRCh38, 1-based): chr7:116,699,082, A>T. VCF-style: chr7-116699082-A-T. GRCh37 (hg19) VCF-style: chr7-116339136-A-T.
Other names: c.-3A>T (NM_001127500.3, NM_001324401.3); c.-91+26505A>T (NM_001324402.2).
Identifiers: ClinVar variation 1320705 (VCV001320705.5), dbSNP rs963663507, ClinGen allele CA368968130.

ClinVar aggregate classification (germline): Uncertain significance. Review status: criteria provided, multiple submitters, no conflicts (2 of 4 stars). 2 submissions from 2 submitters: Uncertain significance (2). Last evaluated 2024-12-31.

Conditions:
Hereditary cancer-predisposing syndrome. Also called: Hereditary neoplastic syndrome; Neoplastic Syndromes, Hereditary; Tumor predisposition; Hereditary Cancer Syndrome. Identifiers: Orphanet 140162, MedGen C0027672, MeSH D009386, MONDO:0015356.

Submissions (2):

Ambry Genetics
Classification: Uncertain significance for Hereditary cancer-predisposing syndrome. Last evaluated: 2024-12-31. Review status: criteria provided, single submitter. Criteria: Ambry Variant Classification Scheme 2023. Collection method: clinical testing. Allele origin: germline.
Comment: The c.-3A>T variant is located in the 5' untranslated region (5&rsquo; UTR) of the MET gene. This variant results from an A to T substitution 3 bases upstream from the first translated codon. Based on nucleotide sequence alignment, this position is well conserved in available vertebrate species. Since supporting evidence is limited at this time, the clinical significance of this alteration remains unclear.

GeneDx
Classification: Uncertain significance. Last evaluated: 2020-11-02. Review status: criteria provided, single submitter. Criteria: GeneDx Variant Classification Process June 2021. Collection method: clinical testing. Allele origin: germline. Affected: yes.
Comment: Not observed in large population cohorts (Lek et al., 2016); Has not been previously published as pathogenic or benign to our knowledge; Describes a nucleotide substitution 3 base pairs upstream of the ATG translational start site of the MET gene, occurring in the Kozak sequence, the conserved nucleotides just upstream of the ATG start codon, which play a major role in the initiation of translation